The following is an entry in ClinVar:

ClinVar aggregate classification (germline): Uncertain significance. Review status: criteria provided, multiple submitters, no conflicts (2 of 4 stars). 2 submissions from 2 submitters: Uncertain significance (2). Last evaluated 2025-09-15.

Conditions:
Hereditary cancer-predisposing syndrome. Also called: Hereditary neoplastic syndrome; Neoplastic Syndromes, Hereditary; Tumor predisposition; Hereditary Cancer Syndrome. Identifiers: Orphanet 140162, MedGen C0027672, MeSH D009386, MONDO:0015356.
Neuroblastoma, susceptibility to, 3. Also called: ALK-Related Neuroblastic Tumor Susceptibility. Identifiers: Orphanet 635, MedGen C2751681, MONDO:0013083, OMIM 613014.

Allele frequency attached by ClinVar (database versions not stated): TOPMed below 0.00001; gnomAD exomes 0.00001; gnomAD 0.00003; ExAC 0.00004.
gnomAD v4.1: 14 of 1,606,432 alleles (0.00087%); highest among the groups gnomAD compares: Non-Finnish European, 0.0011%; no homozygotes.

Submissions (2):

Ambry Genetics
Classification: Uncertain significance for Hereditary cancer-predisposing syndrome. Last evaluated: 2025-09-15. Review status: criteria provided, single submitter. Criteria: Ambry Variant Classification Scheme 2023. Collection method: clinical testing. Allele origin: germline.
Comment: The p.R136Q variant (also known as c.407G>A), located in coding exon 1 of the ALK gene, results from a G to A substitution at nucleotide position 407. The arginine at codon 136 is replaced by glutamine, an amino acid with highly similar properties. This amino acid position is highly conserved in available vertebrate species. In addition, the in silico prediction for this alteration is inconclusive. Based on the available evidence, the clinical significance of this variant remains unclear.

Labcorp Genetics (formerly Invitae), Labcorp
Classification: Uncertain significance for Neuroblastoma, susceptibility to, 3. Last evaluated: 2025-07-30. Review status: criteria provided, single submitter. Criteria: Invitae Variant Classification Sherloc (09022015). Collection method: clinical testing. Allele origin: germline.
Comment: This sequence change replaces arginine, which is basic and polar, with glutamine, which is neutral and polar, at codon 136 of the ALK protein (p.Arg136Gln). This variant is present in population databases (rs745712273, gnomAD 0.002%). This variant has not been reported in the literature in individuals affected with ALK-related conditions. ClinVar contains an entry for this variant (Variation ID: 470864). An algorithm developed to predict the effect of missense changes on protein structure and function (PolyPhen-2) suggests that this variant is likely to be disruptive. In summary, the available evidence is currently insufficient to determine the role of this variant in disease. Therefore, it has been classified as a Variant of Uncertain Significance.

NM_004304.5(ALK):c.407G>A (p.Arg136Gln)

Gene: ALK (ALK receptor tyrosine kinase; minus strand). Cytogenetic location: 2p23.1.
Variant type: single nucleotide variant.
Coding change: c.407G>A on transcript NM_004304.5 (MANE Select); coding-DNA position 407, G replaced by A.
Protein change: p.Arg136Gln; replaces arginine 136 with glutamine.
Molecular consequence: missense variant.
Genome position (GRCh38, 1-based): chr2:29,920,253, C>T on the plus strand (G>A on the coding strand, the complement: ALK is on the minus strand). VCF-style: chr2-29920253-C-T. GRCh37 (hg19) VCF-style: chr2-30143119-C-T.
Other names: short protein forms R136Q.
Identifiers: ClinVar variation 470864 (VCV000470864.9), dbSNP rs745712273, ClinGen allele CA1594977.